The following is an entry in ClinVar:

ClinVar aggregate classification (germline): Likely benign. Review status: criteria provided, multiple submitters, no conflicts (2 of 4 stars). 2 submissions from 2 submitters: Likely benign (2). Last evaluated 2023-09-08.

Conditions:
RYR1-related disorder. Also called: RYR1-related condition; RYR1-related disorders. Identifiers: MedGen CN239331.

Allele frequency attached by ClinVar (database versions not stated): gnomAD exomes below 0.00001 and 0.00001; ExAC 0.00002; ESP Exome Variant Server 0.00008.
gnomAD v4.1: 5 of 1,611,970 alleles (0.00031%); highest among the groups gnomAD compares: Non-Finnish European, 0.00042%; no homozygotes.

Submissions (2):

Labcorp Genetics (formerly Invitae), Labcorp
Classification: Likely benign for RYR1-related disorder. Last evaluated: 2023-09-08. Review status: criteria provided, single submitter. Criteria: Invitae Variant Classification Sherloc (09022015). Collection method: clinical testing. Allele origin: germline.

GeneDx
Classification: Likely benign. Last evaluated: 2017-08-25. Review status: criteria provided, single submitter. Criteria: GeneDx Variant Classification (06012015). Collection method: clinical testing. Allele origin: germline. Affected: yes.
Comment: This variant is considered likely benign or benign based on one or more of the following criteria: it is a conservative change, it occurs at a poorly conserved position in the protein, it is predicted to be benign by multiple in silico algorithms, and/or has population frequency not consistent with disease.

NM_000540.3(RYR1):c.14129+13C>T

Gene: RYR1 (ryanodine receptor 1; plus strand). Cytogenetic location: 19q13.2.
Variant type: single nucleotide variant.
Coding change: c.14129+13C>T on transcript NM_000540.3 (MANE Select); 13 bases into the intron after coding-DNA position 14129, C replaced by T.
Molecular consequence: intron variant.
Genome position (GRCh38, 1-based): chr19:38,573,320, C>T. VCF-style: chr19-38573320-C-T. GRCh37 (hg19) VCF-style: chr19-39063960-C-T.
Other names: c.14114+13C>T (NM_001042723.2).
Identifiers: ClinVar variation 511746 (VCV000511746.4), dbSNP rs368032372, ClinGen allele CA060828.